The following is an entry in ClinVar:

NM_032436.4(CHAMP1):c.1680_1683dup (p.Glu562delinsProTer)

Gene: CHAMP1 (chromosome alignment maintaining phosphoprotein 1; plus strand). Cytogenetic location: 13q34.
Variant type: Duplication.
Coding change: c.1680_1683dup on transcript NM_032436.4 (MANE Select); coding-DNA positions 1680 to 1683, 4 bases duplicated (CCCT; older notation c.1680_1683dupCCCT).
Protein change: p.Glu562delinsProTer.
Molecular consequence: nonsense.
Genome position (GRCh38, 1-based): chr13:114,325,522-114,325,525, CCCT duplicated; duplicating any 4 consecutive bases within chr13:114,325,521-114,325,525 gives the same sequence; the c. name uses the placement nearest the transcript's 3' end. VCF-style (leftmost placement, unchanged base first): chr13-114325520-T-TTCCC. GRCh37 (hg19) VCF-style: chr13-115090995-T-TTCCC.
Other names: c.1680_1683dup, p.Glu562delinsProTer (NM_001164144.3, NM_001164145.3).
Identifiers: ClinVar variation 807058 (VCV000807058.44), dbSNP rs1594131663, ClinGen allele CA915948893.
Genomic context (GRCh38, chr13:114,325,520, plus strand): 5'-CCTGCTTCTCCAGAAGCACGCAAACGTGCCCTTTTTCCAGAGCCCCGGAAGCATGCCCTT[T>TTCCC]TCCCTGAACTCCCCAAATCTGCTCTATTCTCAGAATCACAGAAGGCTGTTGAGCTTGGTG-3'

ClinVar aggregate classification (germline): Likely pathogenic (1 of 4 stars; one submission).

Conditions:
CHAMP1-related syndrome.

Submission:

CeGaT Center for Human Genetics Tuebingen
Classification: Likely pathogenic. Last evaluated: 2017-10-01. Review status: criteria provided, single submitter. Criteria: CeGaT Center For Human Genetics Tuebingen Variant Classification Criteria Version 2. Collection method: clinical testing. Allele origin: germline. Affected: yes. Observed: 1 variant allele.